The following is an entry in ClinVar:

NM_002225.5(IVD):c.715A>T (p.Lys239Ter)

Gene: IVD (isovaleryl-CoA dehydrogenase; plus strand). Cytogenetic location: 15q15.1.
Variant type: single nucleotide variant.
Coding change: c.715A>T on transcript NM_002225.5 (MANE Select); coding-DNA position 715, A replaced by T.
Protein change: p.Lys239Ter; replaces lysine 239 with a stop codon.
Molecular consequence: nonsense. On other transcripts: non-coding transcript variant (1).
Genome position (GRCh38, 1-based): chr15:40,413,018, A>T. VCF-style: chr15-40413018-A-T. GRCh37 (hg19) VCF-style: chr15-40705217-A-T.
Other names: c.625A>T, p.Lys209Ter (NM_001159508.3); c.667A>T, p.Lys223Ter (NM_001354597.3); c.715A>T, p.Lys239Ter (NM_001354598.3, NM_001354601.3); c.802A>T, p.Lys268Ter (NM_001354599.3, NM_001354600.3); short protein forms K209*, K223*, K239*, K268*.
Identifiers: ClinVar variation 1724645 (VCV001724645.2), dbSNP rs2542714217, ClinGen allele CA391718779.

ClinVar aggregate classification (germline): Likely pathogenic (1 of 4 stars; one submission).

Conditions:
Isovaleryl-CoA dehydrogenase deficiency (IVA). Also called: ISOVALERIC ACID CoA DEHYDROGENASE DEFICIENCY; Classic Isovaleric Acidemia; Isovaleric acidemia; IVD DEFICIENCY. Identifiers: Orphanet 33, MedGen C0268575, MONDO:0009475, OMIM 243500.

Submission:

Myriad Genetics, Inc.
Classification: Likely pathogenic for Isovaleryl-CoA dehydrogenase deficiency. Last evaluated: 2022-02-24. Review status: criteria provided, single submitter. Criteria: Myriad Women's Health Autosomal Recessive and X-Linked Classification Criteria (2021). Collection method: clinical testing. Allele origin: unknown.
Comment: NM_002225.3(IVD):c.724A>T(K242*) is expected to be pathogenic in the context of isovaleric acidemia. This variant is predicted to lead to an abnormal or absent protein product due to the creation of a premature termination codon in IVD, a gene where loss-of-function variants are known to be pathogenic. Please note: this variant was assessed in the context of healthy population screening.